The following is an entry in ClinVar:

ClinVar aggregate classification (germline): Uncertain significance. Review status: criteria provided, multiple submitters, no conflicts (2 of 4 stars). 2 submissions from 2 submitters: Uncertain significance (2). Last evaluated 2024-11-13.

Conditions:
Inborn genetic diseases. Identifiers: MedGen C0950123, MeSH D030342.

gnomAD v4.1: 1 of 1,613,906 alleles (0.000062%); highest among the groups gnomAD compares: Non-Finnish European, 0.000085%; no homozygotes.

Submissions (2):

Ambry Genetics
Classification: Uncertain significance for Inborn genetic diseases. Last evaluated: 2024-11-13. Review status: criteria provided, single submitter. Criteria: Ambry Variant Classification Scheme 2023. Collection method: clinical testing. Allele origin: germline.

GeneDx
Classification: Uncertain significance. Last evaluated: 2023-04-28. Review status: criteria provided, single submitter. Criteria: GeneDx Variant Classification Process June 2021. Collection method: clinical testing. Allele origin: germline. Affected: yes.
Comment: Not observed at significant frequency in large population cohorts (gnomAD); In silico analysis supports that this missense variant does not alter protein structure/function; Has not been previously published as pathogenic or benign to our knowledge

NM_015046.7(SETX):c.847G>A (p.Val283Met)

Gene: SETX (senataxin; minus strand). Cytogenetic location: 9q34.13.
Variant type: single nucleotide variant.
Coding change: c.847G>A on transcript NM_015046.7 (MANE Select); coding-DNA position 847, G replaced by A.
Protein change: p.Val283Met; replaces valine 283 with methionine.
Molecular consequence: missense variant.
Genome position (GRCh38, 1-based): chr9:132,331,440, C>T on the plus strand (G>A on the coding strand, the complement: SETX is on the minus strand). VCF-style: chr9-132331440-C-T. GRCh37 (hg19) VCF-style: chr9-135206827-C-T.
Other names: c.847G>A, p.Val283Met (NM_001351527.2, NM_001351528.2); short protein forms V283M.
Identifiers: ClinVar variation 2663500 (VCV002663500.2), dbSNP rs1459722873, ClinGen allele CA375347379.